The following is an entry in ClinVar:

ClinVar aggregate classification (germline): Uncertain significance (1 of 4 stars; one submission).

Conditions:
Inborn genetic diseases. Identifiers: MedGen C0950123, MeSH D030342.

gnomAD v4.1: 4 of 1,605,272 alleles (0.00025%); highest among the groups gnomAD compares: Non-Finnish European, 0.00017%; no homozygotes.

Submission:

Ambry Genetics
Classification: Uncertain significance for Inborn genetic diseases. Last evaluated: 2026-08-10. Review status: criteria provided, single submitter. Criteria: Ambry Variant Classification Scheme 2023. Collection method: clinical testing. Allele origin: germline.
Comment: The p.P331L variant (also known as c.992C>T), located in coding exon 5 of the ETV6 gene, results from a C to T substitution at nucleotide position 992. The proline at codon 331 is replaced by leucine, an amino acid with similar properties. This amino acid position is conserved. In addition, the in silico prediction for this alteration is inconclusive. Based on the available evidence, the clinical significance of this variant remains unclear.

NM_001987.5(ETV6):c.992C>T (p.Pro331Leu)

Gene: ETV6 (ETS variant transcription factor 6; plus strand). Cytogenetic location: 12p13.2.
Variant type: single nucleotide variant.
Coding change: c.992C>T on transcript NM_001987.5 (MANE Select); coding-DNA position 992, C replaced by T.
Protein change: p.Pro331Leu; replaces proline 331 with leucine.
Molecular consequence: missense variant.
Genome position (GRCh38, 1-based): chr12:11,869,952, C>T. VCF-style: chr12-11869952-C-T. GRCh37 (hg19) VCF-style: chr12-12022886-C-T.
Other names: c.989C>T, p.Pro330Leu (NM_001413913.1); c.965C>T, p.Pro322Leu (NM_001413914.1); c.728C>T, p.Pro243Leu (NM_001413915.1); c.992C>T, p.Pro331Leu (NM_001413916.1, NM_001413917.1); short protein forms P322L, P331L, P330L, P243L.
Identifiers: ClinVar variation 3276634 (VCV003276634.2).